The following is an entry in ClinVar:

ClinVar aggregate classification (germline): Uncertain significance (1 of 4 stars; one submission).

Conditions:
Alpha thalassemia-X-linked intellectual disability syndrome (ATRX). Also called: ALPHA-THALASSEMIA/MENTAL RETARDATION SYNDROME, X-LINKED; ATR, NONDELETION TYPE; ATR-X syndrome; Alpha thalassemia mental retardation syndrome, nondeletion type, X-linked; XLMR hypotonic face syndrome; X-linked alpha-thalassemia-mental retardation syndrome. Identifiers: Orphanet 847, MedGen C1845055, MONDO:0010519, OMIM 301040.

Allele frequency attached by ClinVar (database versions not stated): gnomAD exomes below 0.00001; TOPMed below 0.00001.
gnomAD v4.1: 2 of 1,208,666 alleles (0.00017%); highest among the groups gnomAD compares: Non-Finnish European, 0.00022%; no homozygotes.

Submission:

Labcorp Genetics (formerly Invitae), Labcorp
Classification: Uncertain significance for Alpha thalassemia-X-linked intellectual disability syndrome. Last evaluated: 2023-01-28. Review status: criteria provided, single submitter. Criteria: Invitae Variant Classification Sherloc (09022015). Collection method: clinical testing. Allele origin: germline.
Comment: In summary, the available evidence is currently insufficient to determine the role of this variant in disease. Therefore, it has been classified as a Variant of Uncertain Significance. Advanced modeling of protein sequence and biophysical properties (such as structural, functional, and spatial information, amino acid conservation, physicochemical variation, residue mobility, and thermodynamic stability) performed at Invitae indicates that this missense variant is not expected to disrupt ATRX protein function. This variant has not been reported in the literature in individuals affected with ATRX-related conditions. This variant is not present in population databases (gnomAD no frequency). This sequence change replaces aspartic acid, which is acidic and polar, with histidine, which is basic and polar, at codon 1398 of the ATRX protein (p.Asp1398His).

NM_000489.6(ATRX):c.4192G>C (p.Asp1398His)

Gene: ATRX (ATRX chromatin remodeler; minus strand). Cytogenetic location: Xq21.1.
Variant type: single nucleotide variant.
Coding change: c.4192G>C on transcript NM_000489.6 (MANE Select); coding-DNA position 4192, G replaced by C.
Protein change: p.Asp1398His; replaces aspartic acid 1398 with histidine.
Molecular consequence: missense variant.
Genome position (GRCh38, 1-based): chrX:77,656,582, C>G on the plus strand (G>C on the coding strand, the complement: ATRX is on the minus strand). VCF-style: chrX-77656582-C-G. GRCh37 (hg19) VCF-style: chrX-76912072-C-G.
Other names: c.4078G>C, p.Asp1360His (NM_138270.5); short protein forms D1360H, D1398H.
Identifiers: ClinVar variation 2810803 (VCV002810803.3), dbSNP rs2069567425, ClinGen allele CA413710547.